The following is an entry in ClinVar:

NM_003280.3(TNNC1):c.287A>G (p.Glu96Gly)

Gene: TNNC1 (troponin C1, slow skeletal and cardiac type; minus strand). Cytogenetic location: 3p21.1.
Variant type: single nucleotide variant.
Coding change: c.287A>G on transcript NM_003280.3 (MANE Select); coding-DNA position 287, A replaced by G.
Protein change: p.Glu96Gly; replaces glutamic acid 96 with glycine.
Molecular consequence: missense variant.
Genome position (GRCh38, 1-based): chr3:52,451,774, T>C on the plus strand (A>G on the coding strand, the complement: TNNC1 is on the minus strand). VCF-style: chr3-52451774-T-C. GRCh37 (hg19) VCF-style: chr3-52485790-T-C.
Other names: p.Glu96Gly; short protein forms E96G.
Identifiers: ClinVar variation 4540888 (VCV004540888.1).

ClinVar aggregate classification (germline): Uncertain significance (1 of 4 stars; one submission).

Submission:

Mayo Clinic Laboratories, Mayo Clinic
Classification: Uncertain significance. Last evaluated: 2025-01-09. Review status: criteria provided, single submitter. Criteria: ACMG Guidelines, 2015. Collection method: clinical testing. Allele origin: germline. Observed: 1 variant allele.
Comment: PP3, PM2_supporting